The following is an entry in ClinVar:

NM_001267550.2(TTN):c.97814A>G (p.Gln32605Arg)

Genes: TTN (titin; minus strand), TTN-AS1 (TTN antisense RNA 1; plus strand). Cytogenetic location: 2q31.2.
Variant type: single nucleotide variant.
Coding change: c.97814A>G on transcript NM_001267550.2 (MANE Select); coding-DNA position 97814, A replaced by G.
Protein change: p.Gln32605Arg; replaces glutamine 32605 with arginine.
Molecular consequence: missense variant.
Genome position (GRCh38, 1-based): chr2:178,540,352, T>C on the plus strand (A>G on the coding strand, the complement: TTN is on the minus strand). VCF-style: chr2-178540352-T-C. GRCh37 (hg19) VCF-style: chr2-179405079-T-C.
Other names: c.92891A>G, p.Gln30964Arg (NM_001256850.1); c.70619A>G, p.Gln23540Arg (NM_003319.4); c.90110A>G, p.Gln30037Arg (NM_133378.4); c.70994A>G, p.Gln23665Arg (NM_133432.3); c.71195A>G, p.Gln23732Arg (NM_133437.4); short protein forms Q23540R, Q23665R, Q23732R, Q30037R, Q30964R, Q32605R.
Identifiers: ClinVar variation 3234806 (VCV003234806.20), dbSNP rs2468799753, ClinGen allele CA349436370.

ClinVar aggregate classification (germline): Uncertain significance (1 of 4 stars; one submission).

Submission:

CeGaT Center for Human Genetics Tuebingen
Classification: Uncertain significance. Last evaluated: 2024-04-01. Review status: criteria provided, single submitter. Criteria: CeGaT Center For Human Genetics Tuebingen Variant Classification Criteria Version 2. Collection method: clinical testing. Allele origin: germline. Affected: yes. Observed: 1 variant allele.
Comment: TTN: PM2